The following is an entry in ClinVar:

ClinVar aggregate classification (germline): Uncertain significance (1 of 4 stars; one submission).

gnomAD v4.1: 2 of 1,470,568 alleles (0.00014%); highest among the groups gnomAD compares: Non-Finnish European, 0.000089%; no homozygotes.

Submission:

Labcorp Genetics (formerly Invitae), Labcorp
Classification: Uncertain significance. Last evaluated: 2024-03-19. Review status: criteria provided, single submitter. Criteria: Invitae Variant Classification Sherloc (09022015). Collection method: clinical testing. Allele origin: germline.
Comment: This sequence change replaces lysine, which is basic and polar, with arginine, which is basic and polar, at codon 603 of the TNFRSF11A protein (p.Lys603Arg). This variant is not present in population databases (gnomAD no frequency). This variant has not been reported in the literature in individuals affected with TNFRSF11A-related conditions. An algorithm developed to predict the effect of missense changes on protein structure and function (PolyPhen-2) suggests that this variant is likely to be tolerated. In summary, the available evidence is currently insufficient to determine the role of this variant in disease. Therefore, it has been classified as a Variant of Uncertain Significance.

NM_003839.4(TNFRSF11A):c.1808A>G (p.Lys603Arg)

Gene: TNFRSF11A (TNF receptor superfamily member 11a; plus strand). Cytogenetic location: 18q21.33.
Variant type: single nucleotide variant.
Coding change: c.1808A>G on transcript NM_003839.4 (MANE Select); coding-DNA position 1808, A replaced by G.
Protein change: p.Lys603Arg; replaces lysine 603 with arginine.
Molecular consequence: missense variant. On other transcripts: 3 prime UTR variant (1).
Genome position (GRCh38, 1-based): chr18:62,384,991, A>G. VCF-style: chr18-62384991-A-G. GRCh37 (hg19) VCF-style: chr18-60052224-A-G.
Other names: c.1766A>G, p.Lys589Arg (NM_001278268.2); c.*232A>G (NM_001270949.2); c.971A>G, p.Lys324Arg (NM_001270950.2); c.857A>G, p.Lys286Arg (NM_001270951.2); short protein forms K286R, K324R, K589R, K603R.
Identifiers: ClinVar variation 3606683 (VCV003606683.2).